The following is an entry in ClinVar:

ClinVar aggregate classification (germline): Uncertain significance (1 of 4 stars; one submission).

Conditions:
Familial cancer of breast. Also called: BREAST CANCER, FAMILIAL; Hereditary breast cancer; hereditary breast carcinoma. Identifiers: Orphanet 227535, MedGen C0346153, MONDO:0016419, OMIM 114480. Disease mechanism: loss of function.

Allele frequency attached by ClinVar (database versions not stated): gnomAD exomes below 0.00001.

Submission:

Labcorp Genetics (formerly Invitae), Labcorp
Classification: Uncertain significance for Familial cancer of breast. Last evaluated: 2021-06-13. Review status: criteria provided, single submitter. Criteria: Invitae Variant Classification Sherloc (09022015). Collection method: clinical testing. Allele origin: germline.
Comment: In summary, the available evidence is currently insufficient to determine the role of this variant in disease. Therefore, it has been classified as a Variant of Uncertain Significance. Nucleotide substitutions within the consensus splice site are a relatively common cause of aberrant splicing (PMID: 17576681, 9536098). Algorithms developed to predict the effect of sequence changes on RNA splicing suggest that this variant may disrupt the consensus splice site, but this prediction has not been confirmed by published transcriptional studies. This variant has not been reported in the literature in individuals with CHEK2-related conditions. ClinVar contains an entry for this variant (Variation ID: 530118). This variant is not present in population databases (ExAC no frequency). This sequence change falls in intron 7 of the CHEK2 gene. It does not directly change the encoded amino acid sequence of the CHEK2 protein. It affects a nucleotide within the consensus splice site of the intron.

Literature cited by the submitters: PubMed 17576681; PubMed 9536098.

NM_007194.4(CHEK2):c.846+6T>C

Gene: CHEK2 (checkpoint kinase 2; minus strand). Cytogenetic location: 22q12.1.
Variant type: single nucleotide variant.
Coding change: c.846+6T>C on transcript NM_007194.4 (MANE Select); 6 bases into the intron after coding-DNA position 846, T replaced by C.
Molecular consequence: intron variant.
Genome position (GRCh38, 1-based): chr22:28,710,000, A>G on the plus strand (T>C on the coding strand, the complement: CHEK2 is on the minus strand). VCF-style: chr22-28710000-A-G. GRCh37 (hg19) VCF-style: chr22-29105988-A-G.
Other names: c.183+6T>C (NM_001437942.1, NM_001257387.3); c.645+6T>C (NM_001349956.3); c.846+6T>C (NM_145862.3); c.939+6T>C (NM_001438295.1, NM_001438293.1); c.975+6T>C (NM_001438294.1, NM_001005735.3).
Identifiers: ClinVar variation 530118 (VCV000530118.7), dbSNP rs1555920090, ClinGen allele CA658799520.